The following is an entry in ClinVar:

ClinVar aggregate classification (germline): Benign (1 of 4 stars; one submission).

Conditions:
Histiocytic medullary reticulosis. Also called: SEVERE COMBINED IMMUNODEFICIENCY WITH HYPEREOSINOPHILIA; Omenn syndrome. Identifiers: Orphanet 39041, MedGen C2700553, MONDO:0011338, OMIM 603554.

Allele frequency attached by ClinVar (database versions not stated): gnomAD 0.00283 and 0.00295; TOPMed 0.00448; 1000 Genomes Project 0.00539; 1000 Genomes Project 30x 0.00640.
gnomAD v4.1: 445 of 152,272 alleles (0.29%); highest among the groups gnomAD compares: Admixed American, 2.7%; 7 homozygotes.

Submission:

Illumina Laboratory Services, Illumina
Classification: Benign for Histiocytic medullary reticulosis. Last evaluated: 2018-01-12. Review status: criteria provided, single submitter. Criteria: ICSL Variant Classification Criteria 13 December 2019. Collection method: clinical testing. Allele origin: germline.
Comment: This variant was observed in the ICSL laboratory as part of a predisposition screen in an ostensibly healthy population. It had not been previously curated by ICSL or reported in the Human Gene Mutation Database (HGMD: prior to June 1st, 2018), and was therefore a candidate for classification through an automated scoring system. Utilizing variant allele frequency, disease prevalence and penetrance estimates, and inheritance mode, an automated score was calculated to assess if this variant is too frequent to cause the disease. Based on the score and internal cut-off values, a variant classified as benign is not then subjected to further curation. The score for this variant resulted in a classification of benign for this disease.

NM_001033855.3(DCLRE1C):c.*792A>C

Gene: DCLRE1C (DNA cross-link repair 1C; minus strand). Cytogenetic location: 10p13.
Variant type: single nucleotide variant.
Coding change: c.*792A>C on transcript NM_001033855.3 (MANE Select); 792 bases downstream of the stop codon, A replaced by C.
Molecular consequence: 3 prime UTR variant. On other transcripts: non-coding transcript variant (3), intron variant (3).
Genome position (GRCh38, 1-based): chr10:14,907,616, T>G on the plus strand (A>C on the coding strand, the complement: DCLRE1C is on the minus strand). VCF-style: chr10-14907616-T-G. GRCh37 (hg19) VCF-style: chr10-14949615-T-G.
Other names: c.*792A>C (NM_001033857.3, NM_001033858.3, NM_001289076.2 and 4 more transcripts); c.1437+1089A>C (NM_001350966.2); c.1782+1089A>C (NM_001350965.2); c.1422+1089A>C (NM_001350967.2).
Identifiers: ClinVar variation 299287 (VCV000299287.5), dbSNP rs191042274, ClinGen allele CA10635316.